The following is an entry in ClinVar:

ClinVar aggregate classification (germline): Uncertain significance (1 of 4 stars; one submission).

gnomAD v4.1: 11 of 1,614,066 alleles (0.00068%); highest among the groups gnomAD compares: Admixed American, 0.005%; no homozygotes.

Submission:

Dasa
Classification: Uncertain significance. Last evaluated: 2026-07-02. Review status: criteria provided, single submitter. Criteria: DASA Assertion Criteria. Collection method: clinical testing. Allele origin: germline.
Comment: NM_016284.5(CNOT1):c.3152C>T (p.Thr1051Met) is a missense variant that results in the substitution of threonine with methionine. This variant is rare in population databases. The currently available literature and clinical evidence are not sufficient to establish a definitive association between this variant and the reported condition. Therefore, this variant is classified as a variant of uncertain significance.

NM_016284.5(CNOT1):c.3152C>T (p.Thr1051Met)

Gene: CNOT1 (CCR4-NOT transcription complex subunit 1; minus strand). Cytogenetic location: 16q21.
Variant type: single nucleotide variant.
Coding change: c.3152C>T on transcript NM_016284.5 (MANE Select); coding-DNA position 3152, C replaced by T.
Protein change: p.Thr1051Met; replaces threonine 1051 with methionine.
Molecular consequence: missense variant. On other transcripts: non-coding transcript variant (1).
Genome position (GRCh38, 1-based): chr16:58,551,638, G>A on the plus strand (C>T on the coding strand, the complement: CNOT1 is on the minus strand). VCF-style: chr16-58551638-G-A. GRCh37 (hg19) VCF-style: chr16-58585542-G-A.
Other names: c.3137C>T, p.Thr1046Met (NM_001265612.2); c.3152C>T, p.Thr1051Met (NM_206999.3); short protein forms T1046M, T1051M.
Identifiers: ClinVar variation 5020275 (VCV005020275.1).